The following is an entry in ClinVar:

ClinVar aggregate classification (germline): Benign (1 of 4 stars; one submission).

Conditions:
Lynch syndrome 4 (LYNCH4). Also called: Colorectal cancer, hereditary nonpolyposis, type 4; Hereditary non-polyposis colorectal cancer, type 4. Identifiers: Orphanet 144, MedGen C1838333, MONDO:0013699, OMIM 614337. Disease mechanism: loss of function.

gnomAD v4.1: 4 of 1,122,596 alleles (0.00036%); highest among the groups gnomAD compares: Non-Finnish European, 0.00055%; no homozygotes.

Submission:

Myriad Genetics, Inc.
Classification: Benign for Lynch syndrome 4. Last evaluated: 2025-01-28. Review status: criteria provided, single submitter. Criteria: Myriad Autosomal Dominant, Autosomal Recessive and X-Linked Classification Criteria (2023). Collection method: clinical testing. Allele origin: unknown.
Comment: This variant is considered benign. This variant is intronic and is not expected to impact mRNA splicing.

NM_000535.7(PMS2):c.804-58C>A

Gene: PMS2 (PMS1 homolog 2, mismatch repair system component; minus strand). Cytogenetic location: 7p22.1.
Variant type: single nucleotide variant.
Coding change: c.804-58C>A on transcript NM_000535.7 (MANE Select); 58 bases into the intron before coding-DNA position 804, C replaced by A.
Molecular consequence: intron variant.
Genome position (GRCh38, 1-based): chr7:5,995,691, G>T on the plus strand (C>A on the coding strand, the complement: PMS2 is on the minus strand). VCF-style: chr7-5995691-G-T. GRCh37 (hg19) VCF-style: chr7-6035322-G-T.
Other names: c.486-58C>A (NM_001322008.2, NM_001406902.1, NM_001406883.1 and 4 more transcripts); c.495-58C>A (NM_001406881.1, NM_001406879.1, NM_001322015.2 and 6 more transcripts); c.399-58C>A (NM_001406895.1, NM_001322010.2, NM_001322004.2 and 19 more transcripts); c.133-3634C>A (NM_001406911.1); c.291-58C>A (NM_001406904.1, NM_001406905.1); c.231-58C>A (NM_001322013.2, NM_001406909.1); c.-130-58C>A (NM_001322012.2, NM_001322011.2); c.468-58C>A (NM_001406885.1); and 8 more.
Identifiers: ClinVar variation 3903593 (VCV003903593.1).
Genomic context (GRCh38, chr7:5,995,691, plus strand): 5'-ATGCTATTCAACATTAATATGGTAAGGGCAGGATTCCAGAGTGAAAGGGATTAGAAATAC[G>T]ATCACATGGCACATTCTTAAAGTGAAATGAAAACAAAACACCAGGTGACATGCTGATAAG-3'